The following is an entry in ClinVar:

NM_001172509.2(SATB2):c.1376G>T (p.Arg459Leu)

Gene: SATB2 (SATB homeobox 2; minus strand). Cytogenetic location: 2q33.1.
Variant type: single nucleotide variant.
Coding change: c.1376G>T on transcript NM_001172509.2 (MANE Select); coding-DNA position 1376, G replaced by T.
Protein change: p.Arg459Leu; replaces arginine 459 with leucine.
Molecular consequence: missense variant.
Genome position (GRCh38, 1-based): chr2:199,328,708, C>A on the plus strand (G>T on the coding strand, the complement: SATB2 is on the minus strand). VCF-style: chr2-199328708-C-A. GRCh37 (hg19) VCF-style: chr2-200193431-C-A.
Other names: c.1376G>T, p.Arg459Leu (NM_001172517.1, NM_015265.4); short protein forms R459L.
Identifiers: ClinVar variation 1308121 (VCV001308121.2), dbSNP rs2105795190, ClinGen allele CA350386143.
Genomic context (GRCh38, chr2:199,328,708, plus strand): 5'-AAGATGTTTCCAAGACAAAGAGTGAAAAATACGGAAAGCAAGTTTCTCACCTGAGGGGTT[C>A]GGGAGGAGCTGGGACTGCTGGAGGCCGAGGAGACCATGCTCACATTGGGATTCATGCTCC-3'
Protein context (NP_001165980.1, residues 449-469): SSASSSPSSS[Arg459Leu]TPQAKTSTPT

ClinVar aggregate classification (germline): Uncertain significance (1 of 4 stars; one submission).

Submission:

GeneDx
Classification: Uncertain significance. Last evaluated: 2020-05-07. Review status: criteria provided, single submitter. Criteria: GeneDx Variant Classification Process June 2021. Collection method: clinical testing. Allele origin: germline. Affected: yes.
Comment: Not observed in large population cohorts (Lek et al., 2016); In silico analysis, which includes protein predictors and evolutionary conservation, supports a deleterious effect; Has not been previously published as pathogenic or benign to our knowledge